The following is an entry in ClinVar:

ClinVar aggregate classification (germline): Uncertain significance (1 of 4 stars; one submission).

Allele frequency attached by ClinVar (database versions not stated): TOPMed below 0.00001.
gnomAD v4.1: 5 of 1,614,052 alleles (0.00031%); highest among the groups gnomAD compares: Non-Finnish European, 0.00042%; no homozygotes.

Submission:

GeneDx
Classification: Uncertain significance. Last evaluated: 2023-06-04. Review status: criteria provided, single submitter. Criteria: GeneDx Variant Classification Process June 2021. Collection method: clinical testing. Allele origin: germline.
Comment: Not observed at significant frequency in large population cohorts (gnomAD); In silico analysis supports that this missense variant does not alter protein structure/function; Has not been previously published as pathogenic or benign to our knowledge

NM_020937.4(FANCM):c.5144A>C (p.Gln1715Pro)

Gene: FANCM (FA complementation group M; plus strand). Cytogenetic location: 14q21.2.
Variant type: single nucleotide variant.
Coding change: c.5144A>C on transcript NM_020937.4 (MANE Select); coding-DNA position 5144, A replaced by C.
Protein change: p.Gln1715Pro; replaces glutamine 1715 with proline.
Molecular consequence: missense variant.
Genome position (GRCh38, 1-based): chr14:45,189,166, A>C. VCF-style: chr14-45189166-A-C. GRCh37 (hg19) VCF-style: chr14-45658369-A-C.
Other names: c.5066A>C, p.Gln1689Pro (NM_001308133.2); short protein forms Q1689P, Q1715P.
Identifiers: ClinVar variation 2499820 (VCV002499820.2), dbSNP rs1390595974, ClinGen allele CA389612638.